The following is an entry in ClinVar:

ClinVar aggregate classification (germline): Uncertain significance (1 of 4 stars; one submission).

Conditions:
Lowe syndrome (OCRL). Also called: LOWE OCULOCEREBRORENAL SYNDROME; PHOSPHATIDYLINOSITOL 4,5-BISPHOSPHATE 5-PHOSPHATASE DEFICIENCY; Oculocerebrorenal Syndrome. Identifiers: Orphanet 534, MedGen C0028860, MONDO:0010645, OMIM 309000.

Submission:

Labcorp Genetics (formerly Invitae), Labcorp
Classification: Uncertain significance for Lowe syndrome. Last evaluated: 2024-11-05. Review status: criteria provided, single submitter. Criteria: Invitae Variant Classification Sherloc (09022015). Collection method: clinical testing. Allele origin: germline.
Comment: This sequence change replaces glutamic acid, which is acidic and polar, with lysine, which is basic and polar, at codon 696 of the OCRL protein (p.Glu696Lys). This variant is not present in population databases (gnomAD no frequency). This variant has not been reported in the literature in individuals affected with OCRL-related conditions. ClinVar contains an entry for this variant (Variation ID: 1372852). Invitae Evidence Modeling of protein sequence and biophysical properties (such as structural, functional, and spatial information, amino acid conservation, physicochemical variation, residue mobility, and thermodynamic stability) indicates that this missense variant is not expected to disrupt OCRL protein function with a negative predictive value of 80%. In summary, the available evidence is currently insufficient to determine the role of this variant in disease. Therefore, it has been classified as a Variant of Uncertain Significance.

NM_000276.4(OCRL):c.2086G>A (p.Glu696Lys)

Gene: OCRL (OCRL inositol polyphosphate-5-phosphatase; plus strand). Cytogenetic location: Xq26.1.
Variant type: single nucleotide variant.
Coding change: c.2086G>A on transcript NM_000276.4 (MANE Select); coding-DNA position 2086, G replaced by A.
Protein change: p.Glu696Lys; replaces glutamic acid 696 with lysine.
Molecular consequence: missense variant.
Genome position (GRCh38, 1-based): chrX:129,576,523, G>A. VCF-style: chrX-129576523-G-A. GRCh37 (hg19) VCF-style: chrX-128710500-G-A.
Other names: c.2089G>A, p.Glu697Lys (NM_001318784.2); c.2086G>A, p.Glu696Lys (NM_001587.4); short protein forms E697K, E696K.
Identifiers: ClinVar variation 1372852 (VCV001372852.6), dbSNP rs2124419096, ClinGen allele CA414622508.